The following is an entry in ClinVar:

NM_000492.4(CFTR):c.3595A>G (p.Lys1199Glu)

Genes: CFTR (CF transmembrane conductance regulator; plus strand), CFTR-AS2 (CFTR antisense RNA 2; minus strand). Cytogenetic location: 7q31.2.
Variant type: single nucleotide variant.
Coding change: c.3595A>G on transcript NM_000492.4 (MANE Select); coding-DNA position 3595, A replaced by G.
Protein change: p.Lys1199Glu; replaces lysine 1199 with glutamic acid.
Molecular consequence: missense variant.
Genome position (GRCh38, 1-based): chr7:117,627,648, A>G. VCF-style: chr7-117627648-A-G. GRCh37 (hg19) VCF-style: chr7-117267702-A-G.
Other names: short protein forms K1199E.
Identifiers: ClinVar variation 4648287 (VCV004648287.1).

ClinVar aggregate classification (germline): Uncertain significance (1 of 4 stars; one submission).

Conditions:
Cystic fibrosis (CF). Also called: MUCOVISCIDOSIS. Identifiers: Orphanet 586, MedGen C0010674, MONDO:0009061, OMIM 219700. Disease mechanism: loss of function.

Submission:

Ambry Genetics
Classification: Uncertain significance for Cystic fibrosis. Last evaluated: 2025-10-22. Review status: criteria provided, single submitter. Criteria: Ambry Variant Classification Scheme 2023. Collection method: clinical testing. Allele origin: germline.
Comment: The p.K1199E variant (also known as c.3595A>G), located in coding exon 22 of the CFTR gene, results from an A to G substitution at nucleotide position 3595. The lysine at codon 1199 is replaced by glutamic acid, an amino acid with similar properties. This amino acid position is conserved. In addition, the in silico prediction for this alteration is inconclusive. Based on the available evidence, the clinical significance of this variant remains unclear.